The following is an entry in ClinVar:

ClinVar aggregate classification (germline): Uncertain significance (1 of 4 stars; one submission).

gnomAD v4.1: 1 of 1,614,040 alleles (0.000062%); highest among the groups gnomAD compares: Non-Finnish European, 0.000085%; no homozygotes.

Submission:

Mayo Clinic Laboratories, Mayo Clinic
Classification: Uncertain significance. Last evaluated: 2024-03-11. Review status: criteria provided, single submitter. Criteria: ACMG Guidelines, 2015. Collection method: clinical testing. Allele origin: germline. Observed: 1 variant allele.
Comment: BP4, PM2_moderate

NM_207111.4(RNF216):c.868C>G (p.Pro290Ala)

Gene: RNF216 (ring finger protein 216; minus strand). Cytogenetic location: 7p22.1.
Variant type: single nucleotide variant.
Coding change: c.868C>G on transcript NM_207111.4 (MANE Select); coding-DNA position 868, C replaced by G.
Protein change: p.Pro290Ala; replaces proline 290 with alanine.
Molecular consequence: missense variant.
Genome position (GRCh38, 1-based): chr7:5,741,149, G>C on the plus strand (C>G on the coding strand, the complement: RNF216 is on the minus strand). VCF-style: chr7-5741149-G-C. GRCh37 (hg19) VCF-style: chr7-5780780-G-C.
Other names: p.Pro290Ala; c.697C>G, p.Pro233Ala (NM_001377156.1, NM_207116.3); short protein forms P233A, P290A.
Identifiers: ClinVar variation 3379740 (VCV003379740.1).